The following is an entry in ClinVar:

NM_152703.5(SAMD9L):c.389A>C (p.Lys130Thr)

Gene: SAMD9L (sterile alpha motif domain containing 9 like; minus strand). Cytogenetic location: 7q21.2.
Variant type: single nucleotide variant.
Coding change: c.389A>C on transcript NM_152703.5 (MANE Select); coding-DNA position 389, A replaced by C.
Protein change: p.Lys130Thr; replaces lysine 130 with threonine.
Molecular consequence: missense variant.
Genome position (GRCh38, 1-based): chr7:93,135,583, T>G on the plus strand (A>C on the coding strand, the complement: SAMD9L is on the minus strand). VCF-style: chr7-93135583-T-G. GRCh37 (hg19) VCF-style: chr7-92764896-T-G.
Other names: c.389A>C, p.Lys130Thr (NM_001303496.3, NM_001303497.3, NM_001303498.3 and 5 more transcripts); c.389A>C (NM_152703.2); short protein forms K130T.
Identifiers: ClinVar variation 1472120 (VCV001472120.7), dbSNP rs977806632, ClinGen allele CA368203544.
Genomic context (GRCh38, chr7:93,135,583, plus strand): 5'-TGTTTAGCATTTGCTACTTCATCTAACACATTTTCTTTCATAAGAATTGATTCTTCTTGT[T>G]TGATATCTCTGATCTCTCTGGGATCATAATCAATATTAGATGACATTGAATTTTCTTCTT-3'
Protein context (NP_689916.2, residues 120-140): DYDPREIRDI[Lys130Thr]QEESILMKEN

ClinVar aggregate classification (germline): Uncertain significance. Review status: criteria provided, multiple submitters, no conflicts (2 of 4 stars). 2 submissions from 2 submitters: Uncertain significance (2). Last evaluated 2025-10-08.

Conditions:
Inborn genetic diseases. Identifiers: MedGen C0950123, MeSH D030342.

gnomAD v4.1: 2 of 1,613,994 alleles (0.00012%); highest among the groups gnomAD compares: Non-Finnish European, 0.00017%; no homozygotes.

Submissions (2):

Labcorp Genetics (formerly Invitae), Labcorp
Classification: Uncertain significance. Last evaluated: 2025-10-08. Review status: criteria provided, single submitter. Criteria: Invitae Variant Classification Sherloc (09022015). Collection method: clinical testing. Allele origin: germline.
Comment: This sequence change replaces lysine, which is basic and polar, with threonine, which is neutral and polar, at codon 130 of the SAMD9L protein (p.Lys130Thr). This variant is not present in population databases (gnomAD no frequency). This variant has not been reported in the literature in individuals affected with SAMD9L-related conditions. ClinVar contains an entry for this variant (Variation ID: 1472120). An algorithm developed to predict the effect of missense changes on protein structure and function outputs the following: PolyPhen-2: "Benign". The threonine amino acid residue is found in multiple mammalian species, which suggests that this missense change does not adversely affect protein function. In summary, the available evidence is currently insufficient to determine the role of this variant in disease. Therefore, it has been classified as a Variant of Uncertain Significance.

Ambry Genetics
Classification: Uncertain significance for Inborn genetic diseases. Last evaluated: 2025-01-14. Review status: criteria provided, single submitter. Criteria: Ambry Variant Classification Scheme 2023. Collection method: clinical testing. Allele origin: germline.
Comment: The p.K130T variant (also known as c.389A>C), located in coding exon 1 of the SAMD9L gene, results from an A to C substitution at nucleotide position 389. The lysine at codon 130 is replaced by threonine, an amino acid with similar properties. This amino acid position is conserved. In addition, this alteration is predicted to be tolerated by in silico analysis. Based on the available evidence, the clinical significance of this variant remains unclear.